The following is an entry in ClinVar:

NM_000127.3(EXT1):c.1360G>A (p.Val454Ile)

Gene: EXT1 (exostosin glycosyltransferase 1; minus strand). Cytogenetic location: 8q24.11.
Variant type: single nucleotide variant.
Coding change: c.1360G>A on transcript NM_000127.3 (MANE Select); coding-DNA position 1360, G replaced by A.
Protein change: p.Val454Ile; replaces valine 454 with isoleucine.
Molecular consequence: missense variant.
Genome position (GRCh38, 1-based): chr8:117,822,522, C>T on the plus strand (G>A on the coding strand, the complement: EXT1 is on the minus strand). VCF-style: chr8-117822522-C-T. GRCh37 (hg19) VCF-style: chr8-118834761-C-T.
Other names: short protein forms V454I.
Identifiers: ClinVar variation 134200 (VCV000134200.16), dbSNP rs201504622, ClinGen allele CA159098.
Genomic context (GRCh38, chr8:117,822,522, plus strand): 5'-TACCTAAATTAGCATAGTAGTAAGGAAAATCTCCCAGATAAGATGAATACTGTGGTAGTA[C>T]GAACAATCCTCCAGGATGTTTGTTCCATATTAAACTGTTACGTGATATGTGCTTGAATAT-3'
Protein context (NP_000118.2, residues 444-464): IWNKHPGGLF[Val454Ile]LPQYSSYLGD

ClinVar aggregate classification (germline): Likely benign. Review status: criteria provided, multiple submitters, no conflicts (2 of 4 stars). 6 submissions from 6 submitters: Likely benign (4). 2 of the submissions do not count toward it. Last evaluated 2025-11-21.

Conditions:
Exostoses, multiple, type 1 (EXT1). Also called: Hereditary Multiple Osteochondromatosis, Type I; EXOSTOSES, MULTIPLE, TYPE I. Identifiers: MedGen CN263289, MONDO:0007585, OMIM 133700.
Multiple congenital exostosis (EXT). Also called: Hereditary multiple osteochondromas; Multiple exostoses; MULTIPLE CARTILAGINOUS EXOSTOSES; Multiple osteochondromas; Hereditary multiple exostoses; Hereditary multiple exostosis. Identifiers: Orphanet 321, MedGen C0015306, MONDO:0005508, HP:0002762.

Allele frequency attached by ClinVar (database versions not stated): gnomAD 0.00002 and 0.00004; TOPMed 0.00004; 1000 Genomes Project 30x 0.00016; 1000 Genomes Project 0.00020.
gnomAD v4.1: 65 of 1,613,266 alleles (0.004%); highest among the groups gnomAD compares: Middle Eastern, 0.066%; no homozygotes.

Submissions (6):

Labcorp Genetics (formerly Invitae), Labcorp
Classification: Likely benign for Multiple congenital exostosis. Last evaluated: 2025-11-21. Review status: criteria provided, single submitter. Criteria: Invitae Variant Classification Sherloc (09022015). Collection method: clinical testing. Allele origin: germline.

Blueprint Genetics
Classification: Likely benign. Last evaluated: 2024-11-07. Review status: criteria provided, single submitter. Criteria: ACMG Guidelines, 2015. Collection method: clinical testing. Allele origin: germline.

KCCC/NGS Laboratory, Kuwait Cancer Control Center
Classification: Likely benign for Exostoses, multiple, type 1. Last evaluated: 2023-07-07. Review status: criteria provided, single submitter. Criteria: ACMG Guidelines, 2015. Collection method: clinical testing. Allele origin: germline. Affected: yes.

Illumina Laboratory Services, Illumina
Classification: Likely benign for Exostoses, multiple, type 1. Last evaluated: 2017-04-27. Review status: criteria provided, single submitter. Criteria: ICSL Variant Classification Criteria 13 December 2019. Collection method: clinical testing. Allele origin: germline.
Comment: This variant was observed as part of a predisposition screen in an ostensibly healthy population. A literature search was performed for the gene, cDNA change, and amino acid change (where applicable). Publications were found based on this search. The evidence from the literature, in combination with allele frequency data from public databases where available, was sufficient to determine this variant is unlikely to cause disease. Therefore, this variant is classified as likely benign.

ITMI
No classification provided. Condition: AllHighlyPenetrant. Last evaluated: 2013-09-19. Review status: no classification provided. Collection method: reference population. Allele origin: germline. Not counted in ClinVar's aggregate classification.
Comment: Please see associated publication for description of ethnicities

Department of Pathology and Laboratory Medicine, Sinai Health System
Classification: Likely benign. Review status: no assertion criteria provided. Collection method: clinical testing. Allele origin: unknown. Affected: yes. Study: The Canadian Open Genetics Repository (COGR). Not counted in ClinVar's aggregate classification.
Comment: The EXT1 p.V454I variant was identified in an individual with multiple osteochondromas, as well as in a cohort of healthy individuals (Signori_2007_PMID: 17301954; Bodian_2014_PMID: 24728327). The variant was identified in dbSNP (ID: rs201504622), ClinVar (classified as likely benign by Illumina), and COSMIC (tissue: biliary tract). The variant was identified in control databases in 12 of 282230 chromosomes at a frequency of 0.00004252 (Genome Aggregation Database March 6, 2019, v2.1.1). The p.V454 residue is conserved in mammals and computational analyses (MUT Assesor, PolyPhen-2, SIFT, MutationTaster, Revel, FATHMM, MetaLR, DANN) provide inconsistent predictions regarding the impact to the protein; this information is not very predictive of pathogenicity. The variant occurs outside of the splicing consensus sequence and in silico or computational prediction software programs (Splice AI exome) do not predict a deleterious effect on splicing. In summary, based on the above information the clinical significance of this variant cannot be determined with certainty at this time although we would lean towards a more benign role for this variant. This variant is classified as likely benign.

Literature cited by the submitters: PubMed 17301954 (cited by Illumina Laboratory Services, Illumina); PubMed 24728327 (cited by ITMI).